The following is an entry in ClinVar:

ClinVar aggregate classification (germline): Uncertain significance. Review status: criteria provided, multiple submitters, no conflicts (2 of 4 stars). 2 submissions from 2 submitters: Uncertain significance (2). Last evaluated 2025-08-03.

Conditions:
Emery-Dreifuss muscular dystrophy 5, autosomal dominant (EDMD5). Also called: EMERY-DREIFUSS MUSCULAR DYSTROPHY 5. Identifiers: Orphanet 261, MedGen C2751805, MONDO:0013072, OMIM 612999.

Allele frequency attached by ClinVar (database versions not stated): gnomAD exomes 0.00001; gnomAD 0.00003; TOPMed 0.00004; ESP Exome Variant Server 0.00015.
gnomAD v4.1: 21 of 1,614,068 alleles (0.0013%); highest among the groups gnomAD compares: East Asian, 0.0045%; no homozygotes.

Submissions (2):

Ambry Genetics
Classification: Uncertain significance. Last evaluated: 2025-08-03. Review status: criteria provided, single submitter. Criteria: Ambry Variant Classification Scheme 2023. Collection method: clinical testing. Allele origin: germline.

Labcorp Genetics (formerly Invitae), Labcorp
Classification: Uncertain significance for Emery-Dreifuss muscular dystrophy 5, autosomal dominant. Last evaluated: 2023-11-24. Review status: criteria provided, single submitter. Criteria: Invitae Variant Classification Sherloc (09022015). Collection method: clinical testing. Allele origin: germline.
Comment: This sequence change replaces threonine, which is neutral and polar, with methionine, which is neutral and non-polar, at codon 6134 of the SYNE2 protein (p.Thr6134Met). This variant is present in population databases (rs141892009, gnomAD 0.003%). This variant has not been reported in the literature in individuals affected with SYNE2-related conditions. An algorithm developed to predict the effect of missense changes on protein structure and function (PolyPhen-2) suggests that this variant is likely to be disruptive. In summary, the available evidence is currently insufficient to determine the role of this variant in disease. Therefore, it has been classified as a Variant of Uncertain Significance.

NM_182914.3(SYNE2):c.18401C>T (p.Thr6134Met)

Gene: SYNE2 (spectrin repeat containing nuclear envelope protein 2; plus strand). Cytogenetic location: 14q23.2.
Variant type: single nucleotide variant.
Coding change: c.18401C>T on transcript NM_182914.3 (MANE Select); coding-DNA position 18401, C replaced by T.
Protein change: p.Thr6134Met; replaces threonine 6134 with methionine.
Molecular consequence: missense variant.
Genome position (GRCh38, 1-based): chr14:64,209,439, C>T. VCF-style: chr14-64209439-C-T. GRCh37 (hg19) VCF-style: chr14-64676157-C-T.
Other names: c.18401C>T, p.Thr6134Met (NM_015180.6); c.18401C>T (NM_182914.2); short protein forms T6134M.
Identifiers: ClinVar variation 2762492 (VCV002762492.4), dbSNP rs141892009, ClinGen allele CA261822702.